The following is an entry in ClinVar:

NM_021625.5(TRPV4):c.2337-13T>A

Gene: TRPV4 (transient receptor potential cation channel subfamily V member 4; minus strand). Cytogenetic location: 12q24.11.
Variant type: single nucleotide variant.
Coding change: c.2337-13T>A on transcript NM_021625.5 (MANE Select); 13 bases into the intron before coding-DNA position 2337, T replaced by A.
Molecular consequence: intron variant.
Genome position (GRCh38, 1-based): chr12:109,784,450, A>T on the plus strand (T>A on the coding strand, the complement: TRPV4 is on the minus strand). VCF-style: chr12-109784450-A-T. GRCh37 (hg19) VCF-style: chr12-110222255-A-T.
Other names: c.2016-13T>A (NM_001177433.1); c.2196-13T>A (NM_001177428.1); c.2157-13T>A (NM_147204.2); c.2235-13T>A (NM_001177431.1).
Identifiers: ClinVar variation 1905972 (VCV001905972.6), dbSNP rs372338084, ClinGen allele CA243494895.
Genomic context (GRCh38, chr12:109,784,450, plus strand): 5'-ATGATGCCCAAGTTCTGGTTCCAGTGAGACCAGTTCACCTCATCCACCCTGGCAGGGCCC[A>T]AGCAGAGGGTCATGGGGAACCCCTCAGAGACGCTCTCCATGCCACCATCCCCAGCACACC-3'

ClinVar aggregate classification (germline): Uncertain significance. Review status: criteria provided, multiple submitters, no conflicts (2 of 4 stars). 2 submissions from 2 submitters: Uncertain significance (2). Last evaluated 2024-11-13.

Conditions:
Charcot-Marie-Tooth disease axonal type 2C (HMSN2C). Also called: CHARCOT-MARIE-TOOTH DISEASE, AXONAL, AUTOSOMAL DOMINANT, TYPE 2C; Charcot-Marie-Tooth Neuropathy Type 2C; Charcot-Marie-Tooth Disease Type 2, TRPV4-Related (CMT2C). Identifiers: Orphanet 99937, MedGen C1853710, MONDO:0011633, OMIM 606071.

Allele frequency attached by ClinVar (database versions not stated): TOPMed 0.00003; ESP Exome Variant Server 0.00008; gnomAD 0.00001.
gnomAD v4.1: 2 of 1,613,984 alleles (0.00012%); highest among the groups gnomAD compares: Non-Finnish European, 0.00017%; no homozygotes.

Submissions (2):

GeneDx
Classification: Uncertain significance. Last evaluated: 2024-11-13. Review status: criteria provided, single submitter. Criteria: GeneDx Variant Classification Process June 2021. Collection method: clinical testing. Allele origin: germline. Affected: yes.
Comment: Not observed at significant frequency in large population cohorts (gnomAD); In silico analysis supports a deleterious effect on splicing; Has not been previously published as pathogenic or benign to our knowledge

Labcorp Genetics (formerly Invitae), Labcorp
Classification: Uncertain significance for Charcot-Marie-Tooth disease axonal type 2C. Last evaluated: 2024-07-04. Review status: criteria provided, single submitter. Criteria: Invitae Variant Classification Sherloc (09022015). Collection method: clinical testing. Allele origin: germline.
Comment: This sequence change falls in intron 14 of the TRPV4 gene. It does not directly change the encoded amino acid sequence of the TRPV4 protein. This variant is not present in population databases (gnomAD no frequency). This variant has not been reported in the literature in individuals affected with TRPV4-related conditions. ClinVar contains an entry for this variant (Variation ID: 1905972). Algorithms developed to predict the effect of sequence changes on RNA splicing suggest that this variant may disrupt the consensus splice site. In summary, the available evidence is currently insufficient to determine the role of this variant in disease. Therefore, it has been classified as a Variant of Uncertain Significance.